The following is an entry in ClinVar:

NM_001967.4(EIF4A2):c.1199C>T (p.Pro400Leu)

Gene: EIF4A2 (eukaryotic translation initiation factor 4A2; plus strand). Cytogenetic location: 3q27.3.
Variant type: single nucleotide variant.
Coding change: c.1199C>T on transcript NM_001967.4 (MANE Select); coding-DNA position 1199, C replaced by T.
Protein change: p.Pro400Leu; replaces proline 400 with leucine.
Molecular consequence: missense variant.
Genome position (GRCh38, 1-based): chr3:186,789,244, C>T. VCF-style: chr3-186789244-C-T. GRCh37 (hg19) VCF-style: chr3-186507033-C-T.
Other names: short protein forms P400L.
Identifiers: ClinVar variation 4991567 (VCV004991567.1).

ClinVar aggregate classification (germline): Uncertain significance (1 of 4 stars; one submission).

Conditions:
EIF4A2-related disorder. Also called: EIF4A2-related condition.

Submission:

PreventionGenetics, part of Exact Sciences
Classification: Uncertain significance for EIF4A2-related condition. Last evaluated: 2026-08-13. Review status: criteria provided, single submitter. Criteria: ACMG Guidelines, 2015. Collection method: clinical testing. Allele origin: germline.
Comment: The EIF4A2 c.1199C>T variant is predicted to result in the amino acid substitution p.Pro400Leu. To our knowledge, this variant has not been reported in the literature or in a large population database (gnomAD), indicating this variant is rare. At this time, the clinical significance of this variant is uncertain due to the absence of conclusive functional and genetic evidence.